The following is an entry in ClinVar:

ClinVar aggregate classification (germline): Likely benign (1 of 4 stars; one submission).

gnomAD v4.1: 4,844 of 1,613,810 alleles (0.3%); highest among the groups gnomAD compares: Middle Eastern, 1%; 16 homozygotes.

Submission:

CeGaT Center for Human Genetics Tuebingen
Classification: Likely benign. Last evaluated: 2026-09-01. Review status: criteria provided, single submitter. Criteria: CeGaT Center For Human Genetics Tuebingen Variant Classification Criteria Version 2. Collection method: clinical testing. Allele origin: germline. Affected: yes. Observed: 6 variant alleles.
Comment: GPR17: BS2

NM_001161417.2(GPR17):c.241G>A (p.Val81Met)

Genes: GPR17 (G protein-coupled receptor 17; plus strand), LIMS2 (LIM zinc finger domain containing 2; minus strand). Cytogenetic location: 2q14.3.
Variant type: single nucleotide variant.
Coding change: c.241G>A on transcript NM_001161417.2 (MANE Select); coding-DNA position 241, G replaced by A.
Protein change: p.Val81Met; replaces valine 81 with methionine.
Molecular consequence: missense variant. On other transcripts: intron variant (4).
Genome position (GRCh38, 1-based): chr2:127,650,976, G>A. VCF-style: chr2-127650976-G-A. GRCh37 (hg19) VCF-style: chr2-128408550-G-A.
Other names: c.325G>A, p.Val109Met (NM_001161415.2, NM_005291.3); c.241G>A, p.Val81Met (NM_001161416.2); c.344+3448C>T (NM_001161404.2); c.359+3448C>T (NM_001161403.3); c.425+3448C>T (NM_001136037.4); c.431+3448C>T (NM_017980.5); short protein forms V109M, V81M.
Identifiers: ClinVar variation 4533451 (VCV004533451.6).